The following is an entry in ClinVar:

ClinVar aggregate classification (germline): Benign/Likely benign. Review status: criteria provided, multiple submitters, no conflicts (2 of 4 stars). 3 submissions from 3 submitters: Benign (2); Likely benign (1). Last evaluated 2025-12-03.

Conditions:
Ulnar-mammary syndrome (UMS). Also called: SCHINZEL SYNDROME; PALLISTER ULNAR-MAMMARY SYNDROME; Ulnar-mammary syndrome of Pallister. Identifiers: Orphanet 3138, MedGen C1866994, MONDO:0008411, OMIM 181450.

Allele frequency attached by ClinVar (database versions not stated): ESP Exome Variant Server 0.00224; gnomAD 0.00333 and 0.00346; TOPMed 0.00365; 1000 Genomes Project 0.00499; 1000 Genomes Project 30x 0.00547.

Submissions (3):

Labcorp Genetics (formerly Invitae), Labcorp
Classification: Benign for Ulnar-mammary syndrome. Last evaluated: 2025-12-03. Review status: criteria provided, single submitter. Criteria: Invitae Variant Classification Sherloc (09022015). Collection method: clinical testing. Allele origin: germline.

Blueprint Genetics
Classification: Likely benign. Last evaluated: 2024-03-01. Review status: criteria provided, single submitter. Criteria: ACMG Guidelines, 2015. Collection method: clinical testing. Allele origin: germline.

Illumina Laboratory Services, Illumina
Classification: Benign for Ulnar-mammary syndrome. Last evaluated: 2018-01-13. Review status: criteria provided, single submitter. Criteria: ICSL Variant Classification Criteria 13 December 2019. Collection method: clinical testing. Allele origin: germline.
Comment: This variant was observed in the ICSL laboratory as part of a predisposition screen in an ostensibly healthy population. It had not been previously curated by ICSL or reported in the Human Gene Mutation Database (HGMD: prior to June 1st, 2018), and was therefore a candidate for classification through an automated scoring system. Utilizing variant allele frequency, disease prevalence and penetrance estimates, and inheritance mode, an automated score was calculated to assess if this variant is too frequent to cause the disease. Based on the score and internal cut-off values, a variant classified as benign is not then subjected to further curation. The score for this variant resulted in a classification of benign for this disease.

NM_005996.4(TBX3):c.1653C>T (p.Ser551=)

Gene: TBX3 (T-box transcription factor 3; minus strand). Cytogenetic location: 12q24.21.
Variant type: single nucleotide variant.
Coding change: c.1653C>T on transcript NM_005996.4 (MANE Select); coding-DNA position 1653, C replaced by T.
Protein change: p.Ser551=; no amino-acid change (serine 551 retained).
Molecular consequence: synonymous variant.
Genome position (GRCh38, 1-based): chr12:114,674,222, G>A on the plus strand (C>T on the coding strand, the complement: TBX3 is on the minus strand). VCF-style: chr12-114674222-G-A. GRCh37 (hg19) VCF-style: chr12-115112027-G-A.
Other names: c.1713C>T, p.Ser571= (NM_016569.4).
Identifiers: ClinVar variation 307362 (VCV000307362.15), dbSNP rs201695541, ClinGen allele CA6809883.
Genomic context (GRCh38, chr12:114,674,222, plus strand): 5'-TACCTGAGAGGCCAGGACGTGCTGCTGGAGGTGGAAGGGCAGGGTGGCCGCGGACGCCCC[G>A]GACAGTCCCTGCGCCGCAGCGGCAGAGGCCATGGCCGTGGAATCCAGGCCCGAGACACCG-3'
Protein context (NP_005987.3, residues 541-561): MASAAAAQGL[Ser551=]GASAATLPFH